The following is an entry in ClinVar:

NM_006371.5(CRTAP):c.472-257G>A

Gene: CRTAP (cartilage associated protein; plus strand). Cytogenetic location: 3p22.3.
Variant type: single nucleotide variant.
Coding change: c.472-257G>A on transcript NM_006371.5 (MANE Select); 257 bases into the intron before coding-DNA position 472, G replaced by A.
Molecular consequence: intron variant.
Genome position (GRCh38, 1-based): chr3:33,120,087, G>A. VCF-style: chr3-33120087-G-A. GRCh37 (hg19) VCF-style: chr3-33161579-G-A.
Other names: c.472-257G>A (NM_001393363.1, NM_001393364.1); c.472-4321G>A (NM_001393365.1).
Identifiers: ClinVar variation 671482 (VCV000671482.1), dbSNP rs115477635, ClinGen allele CA72703412.
Genomic context (GRCh38, chr3:33,120,087, plus strand): 5'-GGTGAACCTCTTTGGAAGCCAGAGAGCGAGGGAGTCTGTTGTTATAGTCCACACAGGCCA[G>A]CCTCCTGGGGCATGTAGCCAGTGCAGAGTAGATTGGGAAAGGCAGACCGAGGCCATCCAG-3'

ClinVar aggregate classification (germline): Likely benign (1 of 4 stars; one submission).

Allele frequency attached by ClinVar (database versions not stated): gnomAD 0.01256 and 0.01350; 1000 Genomes Project 0.01438; TOPMed 0.01472; 1000 Genomes Project 30x 0.01499.
gnomAD v4.1: 1,904 of 152,304 alleles (1.3%); highest among the groups gnomAD compares: African/African-American, 4.2%; 36 homozygotes.

Submission:

GeneDx
Classification: Likely benign. Last evaluated: 2018-06-16. Review status: criteria provided, single submitter. Criteria: GeneDx Variant Classification (06012015). Collection method: clinical testing. Allele origin: germline. Affected: yes.
Comment: This variant is considered likely benign or benign based on one or more of the following criteria: it is a conservative change, it occurs at a poorly conserved position in the protein, it is predicted to be benign by multiple in silico algorithms, and/or has population frequency not consistent with disease.